The following is an entry in ClinVar:

NM_133510.4(RAD51B):c.515T>G (p.Leu172Trp)

Gene: RAD51B (RAD51 paralog B; plus strand). Cytogenetic location: 14q24.1.
Variant type: single nucleotide variant.
Coding change: c.515T>G on transcript NM_133510.4 (MANE Select); coding-DNA position 515, T replaced by G.
Protein change: p.Leu172Trp; replaces leucine 172 with tryptophan.
Molecular consequence: missense variant.
Genome position (GRCh38, 1-based): chr14:67,885,931, T>G. VCF-style: chr14-67885931-T-G. GRCh37 (hg19) VCF-style: chr14-68352648-T-G.
Other names: NP_001308747.1:p.Leu172Trp; p.Leu172Trp; c.515T>G, p.Leu172Trp (NM_001321809.2, NM_001321810.2, NM_001321812.1 and 6 more transcripts); c.515T>G (NM_133509.4, NM_133510.3); c.401T>G, p.Leu134Trp (NM_001321815.1); c.158T>G, p.Leu53Trp (NM_001321817.2); short protein forms L134W, L172W, L53W.
Identifiers: ClinVar variation 1264669 (VCV001264669.14), dbSNP rs34094401, ClinGen allele CA7241114.

ClinVar aggregate classification (germline): Benign. Review status: criteria provided, multiple submitters, no conflicts (2 of 4 stars). 7 submissions from 7 submitters: Benign (7). Last evaluated 2025-12-29.

Conditions:
Hereditary breast ovarian cancer syndrome. Also called: Hereditary breast and ovarian cancer syndrome; Hereditary breast and ovarian cancer syndrome (HBOC); Breast and ovarian cancer; BRCA1- and BRCA2-Associated Hereditary Breast and Ovarian Cancer; Hereditary breast and/or ovarian cancer syndrome; Hereditary breast and ovarian cancer. Identifiers: Orphanet 145, MedGen C0677776, MeSH D061325, MONDO:0003582. Disease mechanism: loss of function.

Allele frequency attached by ClinVar (database versions not stated): gnomAD exomes 0.01261 and 0.01309; ExAC 0.01392; 1000 Genomes Project 0.02117; 1000 Genomes Project 30x 0.02342; gnomAD 0.02375 and 0.02502; TOPMed 0.02424; ESP Exome Variant Server 0.02799.
gnomAD v4.1: 21,976 of 1,606,688 alleles (1.4%); highest among the groups gnomAD compares: African/African-American, 5.4%; 250 homozygotes.

Submissions (7):

Center for Genomic Medicine, Rigshospitalet, Copenhagen University Hospital
Classification: Benign. Last evaluated: 2025-12-29. Review status: criteria provided, single submitter. Criteria: ACMG Guidelines, 2015. Collection method: clinical testing. Allele origin: germline.
Comment: Classification criteria: BA1

CeGaT Center for Human Genetics Tuebingen
Classification: Benign. Last evaluated: 2025-03-01. Review status: criteria provided, single submitter. Criteria: CeGaT Center For Human Genetics Tuebingen Variant Classification Criteria Version 2. Collection method: clinical testing. Allele origin: germline. Affected: yes. Observed: 1 variant allele.
Comment: RAD51B: BP4, BS1, BS2

Ambry Genetics
Classification: Benign. Last evaluated: 2024-09-11. Review status: criteria provided, single submitter. Criteria: Ambry Variant Classification Scheme 2023. Collection method: clinical testing. Allele origin: germline.

Mayo Clinic Laboratories, Mayo Clinic
Classification: Benign. Last evaluated: 2023-12-26. Review status: criteria provided, single submitter. Criteria: ACMG Guidelines, 2015. Collection method: clinical testing. Allele origin: germline. Observed: 6 variant alleles.
Comment: BA1, BP4

National Health Laboratory Service, Universitas Academic Hospital and University of the Free State
Classification: Benign for Hereditary breast ovarian cancer syndrome. Last evaluated: 2022-04-19. Review status: criteria provided, single submitter. Criteria: ACMG Guidelines, 2015. Collection method: clinical testing. Allele origin: germline. Affected: yes. Observed: 11 variant alleles.

GeneDx
Classification: Benign. Last evaluated: 2018-07-14. Review status: criteria provided, single submitter. Criteria: GeneDx Variant Classification Process June 2021. Collection method: clinical testing. Allele origin: germline. Affected: yes.
Comment: This variant is associated with the following publications: (PMID: 28117402)

Breakthrough Genomics
Classification: Benign. Review status: criteria provided, single submitter. Criteria: ACMG Guidelines, 2015. Collection method: not provided. Allele origin: germline. Inheritance: Unknown mechanism. Affected: yes.